The following is an entry in ClinVar:

NM_022089.4(ATP13A2):c.2326G>C (p.Val776Leu)

Gene: ATP13A2 (ATPase cation transporting 13A2; minus strand). Cytogenetic location: 1p36.13.
Variant type: single nucleotide variant.
Coding change: c.2326G>C on transcript NM_022089.4 (MANE Select); coding-DNA position 2326, G replaced by C.
Protein change: p.Val776Leu; replaces valine 776 with leucine.
Molecular consequence: missense variant.
Genome position (GRCh38, 1-based): chr1:16,990,213, C>G on the plus strand (G>C on the coding strand, the complement: ATP13A2 is on the minus strand). VCF-style: chr1-16990213-C-G. GRCh37 (hg19) VCF-style: chr1-17316708-C-G.
Other names: c.2326G>C (NM_022089.2); c.2311G>C, p.Val771Leu (NM_001141973.3, NM_001141974.3); short protein forms V776L, V771L.
Identifiers: ClinVar variation 936424 (VCV000936424.5), dbSNP rs56170027, ClinGen allele CA636877.

ClinVar aggregate classification (germline): Conflicting classifications of pathogenicity. Review status: criteria provided, conflicting classifications (1 of 4 stars). 2 submissions from 2 submitters: Uncertain significance (1); Likely benign (1). Last evaluated 2025-08-25.

Conditions:
Inborn genetic diseases. Identifiers: MedGen C0950123, MeSH D030342.
Autosomal recessive spastic paraplegia type 78. Identifiers: Orphanet 513436, MedGen C5567893, MONDO:0014975, OMIM 617225.
Kufor-Rakeb syndrome (KRS). Also called: PARKINSON DISEASE 9, AUTOSOMAL RECESSIVE, JUVENILE-ONSET. Identifiers: Orphanet 306674, Orphanet 314632, MedGen C1847640, MONDO:0011706, OMIM 606693.

Allele frequency attached by ClinVar (database versions not stated): TOPMed 0.00005; gnomAD 0.00007; ESP Exome Variant Server 0.00008.
gnomAD v4.1: 65 of 1,613,868 alleles (0.004%); highest among the groups gnomAD compares: Non-Finnish European, 0.0053%; no homozygotes.

Submissions (2):

Ambry Genetics
Classification: Likely benign for Inborn genetic diseases. Last evaluated: 2025-08-25. Review status: criteria provided, single submitter. Criteria: Ambry Variant Classification Scheme 2023. Collection method: clinical testing. Allele origin: germline.

Labcorp Genetics (formerly Invitae), Labcorp
Classification: Uncertain significance for Kufor-Rakeb syndrome; Autosomal recessive spastic paraplegia type 78. Last evaluated: 2022-09-07. Review status: criteria provided, single submitter. Criteria: Invitae Variant Classification Sherloc (09022015). Collection method: clinical testing. Allele origin: germline.
Comment: This sequence change replaces valine, which is neutral and non-polar, with leucine, which is neutral and non-polar, at codon 776 of the ATP13A2 protein (p.Val776Leu). This variant is present in population databases (rs56170027, gnomAD 0.009%). This variant has not been reported in the literature in individuals affected with ATP13A2-related conditions. ClinVar contains an entry for this variant (Variation ID: 936424). Advanced modeling of protein sequence and biophysical properties (such as structural, functional, and spatial information, amino acid conservation, physicochemical variation, residue mobility, and thermodynamic stability) performed at Invitae indicates that this missense variant is not expected to disrupt ATP13A2 protein function. In summary, the available evidence is currently insufficient to determine the role of this variant in disease. Therefore, it has been classified as a Variant of Uncertain Significance.